The following is an entry in ClinVar:

ClinVar aggregate classification (germline): Benign (0 of 4 stars; one submission).

Conditions:
NRG1-related disorder. Also called: NRG1-related condition.

Allele frequency attached by ClinVar (database versions not stated): gnomAD exomes 0.00352; ExAC 0.01160; gnomAD 0.03622; 1000 Genomes Project 0.03934; TOPMed 0.04084; ESP Exome Variant Server 0.04137; 1000 Genomes Project 30x 0.04232.
gnomAD v4.1: 10,798 of 1,613,870 alleles (0.67%); highest among the groups gnomAD compares: African/African-American, 13%; 674 homozygotes.

Submission:

PreventionGenetics, part of Exact Sciences
Classification: Benign for NRG1-related condition. Last evaluated: 2019-04-04. Review status: no assertion criteria provided. Collection method: clinical testing. Allele origin: germline.
Comment: This variant is classified as benign based on ACMG/AMP sequence variant interpretation guidelines (Richards et al. 2015 PMID: 25741868, with internal and published modifications).

NM_013964.5(NRG1):c.1096G>A (p.Glu366Lys)

Genes: NRG1 (neuregulin 1; plus strand), LOC126860346 (BRD4-independent group 4 enhancer GRCh37_chr8:32617179-32618378; plus strand). Cytogenetic location: 8p12.
Variant type: single nucleotide variant.
Coding change: c.1096G>A on transcript NM_013964.5 (MANE Select); coding-DNA position 1096, G replaced by A.
Protein change: p.Glu366Lys; replaces glutamic acid 366 with lysine.
Molecular consequence: missense variant.
Genome position (GRCh38, 1-based): chr8:32,760,234, G>A. VCF-style: chr8-32760234-G-A. GRCh37 (hg19) VCF-style: chr8-32617752-G-A.
Other names: c.997G>A, p.Glu333Lys (NM_001159995.3, NM_001322203.1); c.634G>A, p.Glu212Lys (NM_001159996.3); c.1048G>A, p.Glu350Lys (NM_001159999.3); c.946G>A, p.Glu316Lys (NM_001160001.3); c.1087G>A, p.Glu363Lys (NM_001160004.3, NM_001160008.2, NM_013957.5); c.625G>A, p.Glu209Lys (NM_001322197.2); c.322G>A, p.Glu108Lys (NM_001322201.2, NM_001322202.2); c.1276G>A, p.Glu426Lys (NM_001322205.2, NM_001322206.2, NM_001322207.2); and 2 more; short protein forms E363K, E366K, E371K, E426K, E108K, E209K, E212K, E316K.
Identifiers: ClinVar variation 3039681 (VCV003039681.2), dbSNP rs61731510, ClinGen allele CA4706010.